The following is an entry in ClinVar:

ClinVar aggregate classification (germline): Uncertain significance (1 of 4 stars; one submission).

Conditions:
Severe combined immunodeficiency due to IKK2 deficiency. Also called: IMMUNODEFICIENCY 15B; Immunodeficiency 15. Identifiers: Orphanet 397787, MedGen C4747743, MONDO:0014267, OMIM 615592.

Submission:

Labcorp Genetics (formerly Invitae), Labcorp
Classification: Uncertain significance for Severe combined immunodeficiency due to IKK2 deficiency. Last evaluated: 2022-08-23. Review status: criteria provided, single submitter. Criteria: Invitae Variant Classification Sherloc (09022015). Collection method: clinical testing. Allele origin: germline.
Comment: This sequence change replaces glycine, which is neutral and non-polar, with alanine, which is neutral and non-polar, at codon 667 of the IKBKB protein (p.Gly667Ala). This variant is not present in population databases (gnomAD no frequency). This variant has not been reported in the literature in individuals affected with IKBKB-related conditions. ClinVar contains an entry for this variant (Variation ID: 849631). Advanced modeling of protein sequence and biophysical properties (such as structural, functional, and spatial information, amino acid conservation, physicochemical variation, residue mobility, and thermodynamic stability) performed at Invitae indicates that this missense variant is not expected to disrupt IKBKB protein function. In summary, the available evidence is currently insufficient to determine the role of this variant in disease. Therefore, it has been classified as a Variant of Uncertain Significance.

NM_001556.3(IKBKB):c.2000G>C (p.Gly667Ala)

Gene: IKBKB (inhibitor of nuclear factor kappa B kinase subunit beta; plus strand). Cytogenetic location: 8p11.21.
Variant type: single nucleotide variant.
Coding change: c.2000G>C on transcript NM_001556.3 (MANE Select); coding-DNA position 2000, G replaced by C.
Protein change: p.Gly667Ala; replaces glycine 667 with alanine.
Molecular consequence: missense variant. On other transcripts: non-coding transcript variant (3).
Genome position (GRCh38, 1-based): chr8:42,325,983, G>C. VCF-style: chr8-42325983-G-C. GRCh37 (hg19) VCF-style: chr8-42183501-G-C.
Other names: c.1808G>C, p.Gly603Ala (NM_001190720.3); c.1823G>C, p.Gly608Ala (NM_001242778.2); short protein forms G667A, G608A, G603A.
Identifiers: ClinVar variation 849631 (VCV000849631.7), dbSNP rs1820663869, ClinGen allele CA371093715.
Genomic context (GRCh38, chr8:42,325,983, plus strand): 5'-TGTGATTCATCACTTGGCTCCTAATTTCTTTTGATTTTGTCCCCTAGAGCAAGGTCCGTG[G>C]TCCTGTCAGTGGAAGCCCGGATAGCATGAATGCCTCTCGACTTAGCCAGCCTGGGCAGCT-3'
Protein context (NP_001547.1, residues 657-677): LLKIACSKVR[Gly667Ala]PVSGSPDSMN